The following is an entry in ClinVar:

NM_001365951.3(KIF1B):c.4522A>G (p.Thr1508Ala)

Gene: KIF1B (kinesin family member 1B; plus strand). Cytogenetic location: 1p36.22.
Variant type: single nucleotide variant.
Coding change: c.4522A>G on transcript NM_001365951.3 (MANE Select); coding-DNA position 4522, A replaced by G.
Protein change: p.Thr1508Ala; replaces threonine 1508 with alanine.
Molecular consequence: missense variant.
Genome position (GRCh38, 1-based): chr1:10,365,418, A>G. VCF-style: chr1-10365418-A-G. GRCh37 (hg19) VCF-style: chr1-10425476-A-G.
Other names: c.4522A>G, p.Thr1508Ala (NM_001365952.1); c.4384A>G, p.Thr1462Ala (NM_015074.3); short protein forms T1508A, T1462A.
Identifiers: ClinVar variation 842786 (VCV000842786.26), dbSNP rs78662124, ClinGen allele CA582111.

ClinVar aggregate classification (germline): Conflicting classifications of pathogenicity. Review status: criteria provided, conflicting classifications (1 of 4 stars). 3 submissions from 3 submitters: Uncertain significance (2); Likely benign (1). Last evaluated 2025-12-28.

Conditions:
Charcot-Marie-Tooth disease type 2. Also called: Charcot-Marie-Tooth type 2. Identifiers: Orphanet 64746, MedGen C0270914, MONDO:0018993.

Allele frequency attached by ClinVar (database versions not stated): gnomAD 0.00001; TOPMed 0.00002; gnomAD exomes 0.00003.
gnomAD v4.1: 41 of 1,584,718 alleles (0.0026%); highest among the groups gnomAD compares: Admixed American, 0.039%; no homozygotes.

Submissions (3):

Labcorp Genetics (formerly Invitae), Labcorp
Classification: Uncertain significance for Charcot-Marie-Tooth disease type 2. Last evaluated: 2025-12-28. Review status: criteria provided, single submitter. Criteria: Invitae Variant Classification Sherloc (09022015). Collection method: clinical testing. Allele origin: germline.
Comment: This sequence change replaces threonine, which is neutral and polar, with alanine, which is neutral and non-polar, at codon 1462 of the KIF1B protein (p.Thr1462Ala). The frequency data for this variant in the population databases is considered unreliable, as metrics indicate poor data quality at this position in the gnomAD database. This variant has not been reported in the literature in individuals affected with KIF1B-related conditions. ClinVar contains an entry for this variant (Variation ID: 842786). An algorithm developed to predict the effect of missense changes on protein structure and function (PolyPhen-2) suggests that this variant is likely to be disruptive. In summary, the available evidence is currently insufficient to determine the role of this variant in disease. Therefore, it has been classified as a Variant of Uncertain Significance.

CeGaT Center for Human Genetics Tuebingen
Classification: Uncertain significance. Last evaluated: 2024-10-01. Review status: criteria provided, single submitter. Criteria: CeGaT Center For Human Genetics Tuebingen Variant Classification Criteria Version 2. Collection method: clinical testing. Allele origin: germline. Affected: yes. Observed: 1 variant allele.

Ambry Genetics
Classification: Likely benign. Last evaluated: 2020-11-12. Review status: criteria provided, single submitter. Criteria: Ambry Variant Classification Scheme 2023. Collection method: clinical testing. Allele origin: germline.